The following is an entry in ClinVar:

ClinVar aggregate classification (germline): Uncertain significance. Review status: criteria provided, multiple submitters, no conflicts (2 of 4 stars). 4 submissions from 4 submitters: Uncertain significance (4). Last evaluated 2025-06-12.

Conditions:
Nephronophthisis. Also called: Juvenile Nephronophthisis. Identifiers: Orphanet 655, MedGen C0687120, MONDO:0019005, HP:0000090.
Inborn genetic diseases. Identifiers: MedGen C0950123, MeSH D030342.
Nephronophthisis 4 (NPHP4). Also called: NEPHRONOPHTHISIS 4, JUVENILE. Identifiers: Orphanet 655, MedGen C1847013, MONDO:0011752, OMIM 606966.
Senior-Loken syndrome 4 (SLSN4). Identifiers: Orphanet 3156, MedGen C1846979, MONDO:0011756, OMIM 606996.

Allele frequency attached by ClinVar (database versions not stated): 1000 Genomes Project 30x 0.00016.
gnomAD v4.1: 34 of 1,567,336 alleles (0.0022%); highest among the groups gnomAD compares: African/African-American, 0.019%; no homozygotes.

Submissions (4):

Labcorp Genetics (formerly Invitae), Labcorp
Classification: Uncertain significance for Nephronophthisis. Last evaluated: 2025-06-12. Review status: criteria provided, single submitter. Criteria: Invitae Variant Classification Sherloc (09022015). Collection method: clinical testing. Allele origin: germline.
Comment: This sequence change replaces phenylalanine, which is neutral and non-polar, with cysteine, which is neutral and slightly polar, at codon 1068 of the NPHP4 protein (p.Phe1068Cys). The frequency data for this variant in the population databases is considered unreliable, as metrics indicate poor data quality at this position in the gnomAD database. This variant has not been reported in the literature in individuals affected with NPHP4-related conditions. ClinVar contains an entry for this variant (Variation ID: 1064304). Invitae Evidence Modeling of protein sequence and biophysical properties (such as structural, functional, and spatial information, amino acid conservation, physicochemical variation, residue mobility, and thermodynamic stability) indicates that this missense variant is expected to disrupt NPHP4 protein function with a positive predictive value of 80%. In summary, the available evidence is currently insufficient to determine the role of this variant in disease. Therefore, it has been classified as a Variant of Uncertain Significance.

Blueprint Genetics
Classification: Uncertain significance. Last evaluated: 2024-09-23. Review status: criteria provided, single submitter. Criteria: ACMG Guidelines, 2015. Collection method: clinical testing. Allele origin: germline.

Ambry Genetics
Classification: Uncertain significance for Inborn genetic diseases. Last evaluated: 2024-02-27. Review status: criteria provided, single submitter. Criteria: Ambry Variant Classification Scheme 2023. Collection method: clinical testing. Allele origin: germline.

Fulgent Genetics
Classification: Uncertain significance for Nephronophthisis 4; Senior-Loken syndrome 4. Last evaluated: 2022-01-11. Review status: criteria provided, single submitter. Criteria: ACMG Guidelines, 2015. Collection method: clinical testing. Allele origin: unknown.

NM_015102.5(NPHP4):c.3203T>G (p.Phe1068Cys)

Gene: NPHP4 (nephrocystin 4; minus strand). Cytogenetic location: 1p36.31.
Variant type: single nucleotide variant.
Coding change: c.3203T>G on transcript NM_015102.5 (MANE Select); coding-DNA position 3203, T replaced by G.
Protein change: p.Phe1068Cys; replaces phenylalanine 1068 with cysteine.
Molecular consequence: missense variant. On other transcripts: non-coding transcript variant (1).
Genome position (GRCh38, 1-based): chr1:5,874,499, A>C on the plus strand (T>G on the coding strand, the complement: NPHP4 is on the minus strand). VCF-style: chr1-5874499-A-C. GRCh37 (hg19) VCF-style: chr1-5934559-A-C.
Other names: c.3203T>G (NM_015102.3); c.1664T>G, p.Phe555Cys (NM_001291593.2); c.1667T>G, p.Phe556Cys (NM_001291594.2); short protein forms F1068C, F555C, F556C.
Identifiers: ClinVar variation 1064304 (VCV001064304.9), dbSNP rs764323785, ClinGen allele CA553766.